The following is an entry in ClinVar:

NM_001242.5(CD27):c.448+13C>T

Genes: CD27 (CD27 molecule; plus strand), CD27-AS1 (CD27 antisense RNA 1; minus strand). Cytogenetic location: 12p13.31.
Variant type: single nucleotide variant.
Coding change: c.448+13C>T on transcript NM_001242.5 (MANE Select); 13 bases into the intron after coding-DNA position 448, C replaced by T.
Molecular consequence: intron variant. On other transcripts: non-coding transcript variant (1).
Genome position (GRCh38, 1-based): chr12:6,450,365, C>T. VCF-style: chr12-6450365-C-T. GRCh37 (hg19) VCF-style: chr12-6559531-C-T.
Identifiers: ClinVar variation 1422728 (VCV001422728.9), dbSNP rs1331194353, ClinGen allele CA478126537.

ClinVar aggregate classification (germline): Uncertain significance (1 of 4 stars; one submission).

Conditions:
Lymphoproliferative syndrome 2 (LPFS2). Also called: CD27 DEFICIENCY; Combined immunodeficiency due to CD27 deficiency. Identifiers: Orphanet 238505, MedGen C3554540, MONDO:0014054, OMIM 615122.

Allele frequency attached by ClinVar (database versions not stated): gnomAD exomes below 0.00001; TOPMed below 0.00001.
gnomAD v4.1: 1 of 1,607,462 alleles (0.000062%); highest among the groups gnomAD compares: Non-Finnish European, 0.000085%; no homozygotes.

Submission:

Labcorp Genetics (formerly Invitae), Labcorp
Classification: Uncertain significance for Lymphoproliferative syndrome 2. Last evaluated: 2023-12-28. Review status: criteria provided, single submitter. Criteria: Invitae Variant Classification Sherloc (09022015). Collection method: clinical testing. Allele origin: germline.
Comment: This sequence change falls in intron 3 of the CD27 gene. It does not directly change the encoded amino acid sequence of the CD27 protein. This variant is not present in population databases (gnomAD no frequency). This variant has not been reported in the literature in individuals affected with CD27-related conditions. ClinVar contains an entry for this variant (Variation ID: 1422728). Algorithms developed to predict the effect of sequence changes on RNA splicing suggest that this variant may create or strengthen a splice site. In summary, the available evidence is currently insufficient to determine the role of this variant in disease. Therefore, it has been classified as a Variant of Uncertain Significance.